The following is an entry in ClinVar:

ClinVar aggregate classification (germline): Uncertain significance (1 of 4 stars; one submission).

Conditions:
Renal cell carcinoma. Identifiers: Orphanet 217071, MedGen C0007134, MeSH D002292, MONDO:0005086, HP:0005584.

Submission:

Labcorp Genetics (formerly Invitae), Labcorp
Classification: Uncertain significance for Renal cell carcinoma. Last evaluated: 2022-04-08. Review status: criteria provided, single submitter. Criteria: Invitae Variant Classification Sherloc (09022015). Collection method: clinical testing. Allele origin: germline.
Comment: In summary, the available evidence is currently insufficient to determine the role of this variant in disease. Therefore, it has been classified as a Variant of Uncertain Significance. Algorithms developed to predict the effect of missense changes on protein structure and function (SIFT, PolyPhen-2, Align-GVGD) all suggest that this variant is likely to be tolerated. This variant has not been reported in the literature in individuals affected with MET-related conditions. This variant is not present in population databases (gnomAD no frequency). This sequence change replaces asparagine, which is neutral and polar, with lysine, which is basic and polar, at codon 393 of the MET protein (p.Asn393Lys).

NM_000245.4(MET):c.1179T>A (p.Asn393Lys)

Gene: MET (MET proto-oncogene, receptor tyrosine kinase; plus strand). Cytogenetic location: 7q31.2.
Variant type: single nucleotide variant.
Coding change: c.1179T>A on transcript NM_000245.4 (MANE Select); coding-DNA position 1179, T replaced by A.
Protein change: p.Asn393Lys; replaces asparagine 393 with lysine.
Molecular consequence: missense variant. On other transcripts: intron variant (1).
Genome position (GRCh38, 1-based): chr7:116,700,263, T>A. VCF-style: chr7-116700263-T-A. GRCh37 (hg19) VCF-style: chr7-116340317-T-A.
Other names: c.1179T>A, p.Asn393Lys (NM_001127500.3, NM_001324401.3); c.-91+27686T>A (NM_001324402.2); short protein forms N393K.
Identifiers: ClinVar variation 2123121 (VCV002123121.4), dbSNP rs1430726033, ClinGen allele CA368970716.